The following is an entry in ClinVar:

NM_015662.3(IFT172):c.5116G>A (p.Ala1706Thr)

Genes: IFT172 (intraflagellar transport 172; minus strand), KRTCAP3 (keratinocyte associated protein 3; plus strand). Cytogenetic location: 2p23.3.
Variant type: single nucleotide variant.
Coding change: c.5116G>A on transcript NM_015662.3 (MANE Select); coding-DNA position 5116, G replaced by A.
Protein change: p.Ala1706Thr; replaces alanine 1706 with threonine.
Molecular consequence: missense variant. On other transcripts: intron variant (1).
Genome position (GRCh38, 1-based): chr2:27,445,058, C>T on the plus strand (G>A on the coding strand, the complement: IFT172 is on the minus strand). VCF-style: chr2-27445058-C-T. GRCh37 (hg19) VCF-style: chr2-27667925-C-T.
Other names: c.5050G>A, p.Ala1684Thr (NM_001410739.1); c.*5+997C>T (NM_001168364.2); short protein forms A1706T, A1684T.
Identifiers: ClinVar variation 2198491 (VCV002198491.6), dbSNP rs375081229, ClinGen allele CA1579357.

ClinVar aggregate classification (germline): Uncertain significance. Review status: criteria provided, multiple submitters, no conflicts (2 of 4 stars). 3 submissions from 3 submitters: Uncertain significance (3). Last evaluated 2026-06-01.

Conditions:
Short-rib thoracic dysplasia 10 with or without polydactyly (SRTD10). Identifiers: Orphanet 474, MedGen C3810175, MONDO:0014284, OMIM 615630.
Retinitis pigmentosa 71 (RP71). Identifiers: Orphanet 791, MedGen C4225342, MONDO:0014618, OMIM 616394.
IFT172-related disorder. Also called: IFT172-related disorders; IFT172-related condition.
Inborn genetic diseases. Identifiers: MedGen C0950123, MeSH D030342.

Allele frequency attached by ClinVar (database versions not stated): gnomAD exomes below 0.00001; TOPMed below 0.00001; ExAC 0.00001; gnomAD 0.00001; ESP Exome Variant Server 0.00008.
gnomAD v4.1: 3 of 1,613,996 alleles (0.00019%); highest among the groups gnomAD compares: Non-Finnish European, 0.00025%; no homozygotes.

Submissions (3):

PreventionGenetics, part of Exact Sciences
Classification: Uncertain significance for IFT172-related condition. Last evaluated: 2026-06-01. Review status: criteria provided, single submitter. Criteria: ACMG Guidelines, 2015. Collection method: clinical testing. Allele origin: germline.
Comment: The IFT172 c.5116G>A variant is predicted to result in the amino acid substitution p.Ala1706Thr. To our knowledge, this variant has not been reported in the literature. This variant is reported in 0.0065% of alleles in individuals of European (Non-Finnish) descent in gnomAD. At this time, the clinical significance of this variant is uncertain due to the absence of conclusive functional and genetic evidence.

Ambry Genetics
Classification: Uncertain significance for Inborn genetic diseases. Last evaluated: 2024-05-06. Review status: criteria provided, single submitter. Criteria: Ambry Variant Classification Scheme 2023. Collection method: clinical testing. Allele origin: germline.

Labcorp Genetics (formerly Invitae), Labcorp
Classification: Uncertain significance for Retinitis pigmentosa 71; Short-rib thoracic dysplasia 10 with or without polydactyly. Last evaluated: 2021-12-27. Review status: criteria provided, single submitter. Criteria: Invitae Variant Classification Sherloc (09022015). Collection method: clinical testing. Allele origin: germline.
Comment: This sequence change replaces alanine, which is neutral and non-polar, with threonine, which is neutral and polar, at codon 1706 of the IFT172 protein (p.Ala1706Thr). In summary, the available evidence is currently insufficient to determine the role of this variant in disease. Therefore, it has been classified as a Variant of Uncertain Significance. Algorithms developed to predict the effect of missense changes on protein structure and function (SIFT, PolyPhen-2, Align-GVGD) all suggest that this variant is likely to be tolerated. This variant has not been reported in the literature in individuals affected with IFT172-related conditions. This variant is present in population databases (rs375081229, gnomAD 0.002%).